The following is an entry in ClinVar:

ClinVar aggregate classification (germline): Conflicting classifications of pathogenicity. Review status: criteria provided, conflicting classifications (1 of 4 stars). 2 submissions from 2 submitters: Likely pathogenic (1); Uncertain significance (1). Last evaluated 2024-08-26.

Allele frequency attached by ClinVar (database versions not stated): TOPMed below 0.00001; gnomAD 0.00001; gnomAD exomes 0.00001; ExAC 0.00002.
gnomAD v4.1: 20 of 1,614,044 alleles (0.0012%); highest among the groups gnomAD compares: Non-Finnish European, 0.0015%; no homozygotes.

Submissions (2):

Blueprint Genetics
Classification: Uncertain significance. Last evaluated: 2024-08-26. Review status: criteria provided, single submitter. Criteria: ACMG Guidelines, 2015. Collection method: clinical testing. Allele origin: germline.

Labcorp Genetics (formerly Invitae), Labcorp
Classification: Likely pathogenic. Last evaluated: 2023-09-05. Review status: criteria provided, single submitter. Criteria: Invitae Variant Classification Sherloc (09022015). Collection method: clinical testing. Allele origin: germline.
Comment: This sequence change creates a premature translational stop signal (p.Gln278*) in the RLBP1 gene. While this is not anticipated to result in nonsense mediated decay, it is expected to disrupt the last 40 amino acid(s) of the RLBP1 protein. This variant is present in population databases (rs778665719, gnomAD 0.008%). This premature translational stop signal has been observed in individuals with RLBP1-related conditions (PMID: 33851411). Algorithms developed to predict the effect of sequence changes on RNA splicing suggest that this variant may create or strengthen a splice site. This variant disrupts a region of the RLBP1 protein in which other variant(s) (p.Gly298Asp) have been observed in individuals with RLBP1-related conditions (PMID: 22559933, 25429852). This suggests that this is a clinically significant region of the protein, and that variants that disrupt it are likely to be disease-causing. In summary, the currently available evidence indicates that the variant is pathogenic, but additional data are needed to prove that conclusively. Therefore, this variant has been classified as Likely Pathogenic.

Literature cited by the submitters: PubMed 33851411 (cited by Labcorp Genetics (formerly Invitae), Labcorp); PubMed 22559933 (cited by Labcorp Genetics (formerly Invitae), Labcorp); PubMed 25429852 (cited by Labcorp Genetics (formerly Invitae), Labcorp).

NM_000326.5(RLBP1):c.832C>T (p.Gln278Ter)

Gene: RLBP1 (retinaldehyde binding protein 1; minus strand). Cytogenetic location: 15q26.1.
Variant type: single nucleotide variant.
Coding change: c.832C>T on transcript NM_000326.5 (MANE Select); coding-DNA position 832, C replaced by T.
Protein change: p.Gln278Ter; replaces glutamine 278 with a stop codon.
Molecular consequence: nonsense.
Genome position (GRCh38, 1-based): chr15:89,210,407, G>A on the plus strand (C>T on the coding strand, the complement: RLBP1 is on the minus strand). VCF-style: chr15-89210407-G-A. GRCh37 (hg19) VCF-style: chr15-89753638-G-A.
Other names: short protein forms Q278*.
Identifiers: ClinVar variation 2903496 (VCV002903496.4), dbSNP rs778665719, ClinGen allele CA7722162.